The following is an entry in ClinVar:

ClinVar aggregate classification (germline): Uncertain significance. Review status: criteria provided, multiple submitters, no conflicts (2 of 4 stars). 5 submissions from 5 submitters: Uncertain significance (5). Last evaluated 2025-01-27.

Conditions:
Inborn genetic diseases. Identifiers: MedGen C0950123, MeSH D030342.
Pyridoxal phosphate-responsive seizures (PNPOD). Also called: SEIZURES, PYRIDOXINE-RESISTANT, PLP-SENSITIVE; EPILEPTIC ENCEPHALOPATHY, NEONATAL, PNPO-RELATED; Pyridoxine-5'-phosphate oxidase deficiency; Pyridoxal 5'-Phosphate (PLP)-Dependent Epilepsy; Pyridoxamine 5-Prime-Phosphate Oxidase Deficiency. Identifiers: Orphanet 79096, MedGen C1864723, MONDO:0012407, OMIM 610090. Disease mechanism: loss of function.

Allele frequency attached by ClinVar (database versions not stated): gnomAD exomes 0.00003 and 0.00011; ExAC 0.00018; 1000 Genomes Project 30x 0.00047; gnomAD 0.00047 and 0.00051; TOPMed 0.00059; 1000 Genomes Project 0.00060; ESP Exome Variant Server 0.00085.
gnomAD v4.1: 107 of 1,614,016 alleles (0.0066%); highest among the groups gnomAD compares: African/African-American, 0.13%; no homozygotes.

Submissions (5):

Labcorp Genetics (formerly Invitae), Labcorp
Classification: Uncertain significance for Pyridoxal phosphate-responsive seizures. Last evaluated: 2025-01-27. Review status: criteria provided, single submitter. Criteria: Invitae Variant Classification Sherloc (09022015). Collection method: clinical testing. Allele origin: germline.
Comment: This sequence change replaces leucine, which is neutral and non-polar, with arginine, which is basic and polar, at codon 56 of the PNPO protein (p.Leu56Arg). This variant is present in population databases (rs145461623, gnomAD 0.2%). This variant has not been reported in the literature in individuals affected with PNPO-related conditions. ClinVar contains an entry for this variant (Variation ID: 206441). Invitae Evidence Modeling of protein sequence and biophysical properties (such as structural, functional, and spatial information, amino acid conservation, physicochemical variation, residue mobility, and thermodynamic stability) indicates that this missense variant is not expected to disrupt PNPO protein function with a negative predictive value of 80%. In summary, the available evidence is currently insufficient to determine the role of this variant in disease. Therefore, it has been classified as a Variant of Uncertain Significance.

GeneDx
Classification: Uncertain significance. Last evaluated: 2024-05-26. Review status: criteria provided, single submitter. Criteria: GeneDx Variant Classification Process June 2021. Collection method: clinical testing. Allele origin: germline. Affected: yes.
Comment: In silico analysis indicates that this missense variant does not alter protein structure/function; Has not been previously published as pathogenic or benign to our knowledge

Mayo Clinic Laboratories, Mayo Clinic
Classification: Uncertain significance. Last evaluated: 2019-06-24. Review status: criteria provided, single submitter. Criteria: ACMG Guidelines, 2015. Collection method: clinical testing. Allele origin: germline. Observed: 1 variant allele.

Ambry Genetics
Classification: Uncertain significance for Inborn genetic diseases. Last evaluated: 2018-10-16. Review status: criteria provided, single submitter. Criteria: Ambry Variant Classification Scheme 2023. Collection method: clinical testing. Allele origin: germline.
Comment: The p.L56R variant (also known as c.167T>G), located in coding exon 2 of the PNPO gene, results from a T to G substitution at nucleotide position 167. The leucine at codon 56 is replaced by arginine, an amino acid with dissimilar properties. This amino acid position is highly conserved in available vertebrate species. In addition, the in silico prediction for this alteration is inconclusive. Since supporting evidence is limited at this time, the clinical significance of this alteration remains unclear.

Illumina Laboratory Services, Illumina
Classification: Uncertain significance for Pyridoxal phosphate-responsive seizures. Last evaluated: 2018-01-13. Review status: criteria provided, single submitter. Criteria: ICSL Variant Classification Criteria 13 December 2019. Collection method: clinical testing. Allele origin: germline.

NM_018129.4(PNPO):c.167T>G (p.Leu56Arg)

Gene: PNPO (pyridoxamine 5'-phosphate oxidase; plus strand). Cytogenetic location: 17q21.32.
Variant type: single nucleotide variant.
Coding change: c.167T>G on transcript NM_018129.4 (MANE Select); coding-DNA position 167, T replaced by G.
Protein change: p.Leu56Arg; replaces leucine 56 with arginine.
Molecular consequence: missense variant.
Genome position (GRCh38, 1-based): chr17:47,943,334, T>G. VCF-style: chr17-47943334-T-G. GRCh37 (hg19) VCF-style: chr17-46020700-T-G.
Other names: p.L56R:CTT>CGT; short protein forms L56R.
Identifiers: ClinVar variation 206441 (VCV000206441.20), dbSNP rs145461623, ClinGen allele CA316548.
Genomic context (GRCh38, chr17:47,943,334, plus strand): 5'-GTTTATTAAATGAAATAAATCTCCTTTCCTAGGCATTTGAGGAGACTCATCTGACCTCCC[T>G]TGACCCAGTGAAACAGTTTGCTGCCTGGTTTGAGGAGGCTGTTCAGTGTCCTGACATAGG-3'
Protein context (NP_060599.1, residues 46-66): EAFEETHLTS[Leu56Arg]DPVKQFAAWF